The following is an entry in ClinVar:

ClinVar aggregate classification (germline): Uncertain significance. Review status: criteria provided, multiple submitters, no conflicts (2 of 4 stars). 2 submissions from 2 submitters: Uncertain significance (2). Last evaluated 2023-08-12.

Conditions:
Cardiovascular phenotype. Identifiers: MedGen CN230736.
Holt-Oram syndrome (HOS). Also called: Ventriculo-radial syndrome; Cardiac-limb syndrome; Heart-hand syndrome, type 1; TBX5-Related Holt-Oram Syndrome. Identifiers: Orphanet 392, MedGen C0265264, MONDO:0007732, OMIM 142900.

Allele frequency attached by ClinVar (database versions not stated): 1000 Genomes Project 0.00020; gnomAD 0.00001; ExAC 0.00002; 1000 Genomes Project 30x 0.00016.
gnomAD v4.1: 6 of 1,614,154 alleles (0.00037%); highest among the groups gnomAD compares: East Asian, 0.013%; no homozygotes.

Submissions (2):

Ambry Genetics
Classification: Uncertain significance for Cardiovascular phenotype. Last evaluated: 2023-08-12. Review status: criteria provided, single submitter. Criteria: Ambry Variant Classification Scheme 2023. Collection method: clinical testing. Allele origin: germline.
Comment: The p.N119S variant (also known as c.356A>G), located in coding exon 3 of the TBX5 gene, results from an A to G substitution at nucleotide position 356. The asparagine at codon 119 is replaced by serine, an amino acid with highly similar properties. This amino acid position is highly conserved in available vertebrate species. In addition, this alteration is predicted to be tolerated by in silico analysis. Since supporting evidence is limited at this time, the clinical significance of this alteration remains unclear.

Juno Genomics, Hangzhou Juno Genomics, Inc
Classification: Uncertain significance for Holt-Oram syndrome. Review status: criteria provided, single submitter. Criteria: ACMG Guidelines, 2015. Collection method: clinical testing. Allele origin: germline.
Comment: Absent from controls (or at extremely low frequency if recessive) in Genome Aggregation Database.

NM_181486.4(TBX5):c.356A>G (p.Asn119Ser)

Gene: TBX5 (T-box transcription factor 5; minus strand). Cytogenetic location: 12q24.21.
Variant type: single nucleotide variant.
Coding change: c.356A>G on transcript NM_181486.4 (MANE Select); coding-DNA position 356, A replaced by G.
Protein change: p.Asn119Ser; replaces asparagine 119 with serine.
Molecular consequence: missense variant.
Genome position (GRCh38, 1-based): chr12:114,399,519, T>C on the plus strand (A>G on the coding strand, the complement: TBX5 is on the minus strand). VCF-style: chr12-114399519-T-C. GRCh37 (hg19) VCF-style: chr12-114837324-T-C.
Other names: c.356A>G, p.Asn119Ser (NM_000192.3); c.206A>G, p.Asn69Ser (NM_080717.4); short protein forms N119S, N69S.
Identifiers: ClinVar variation 2465686 (VCV002465686.4), dbSNP rs556671717, ClinGen allele CA6809637.